The following is an entry in ClinVar:

NM_198253.3(TERT):c.2106G>A (p.Pro702=)

Gene: TERT (telomerase reverse transcriptase; minus strand). Cytogenetic location: 5p15.33.
Variant type: single nucleotide variant.
Coding change: c.2106G>A on transcript NM_198253.3 (MANE Select); coding-DNA position 2106, G replaced by A.
Protein change: p.Pro702=; no amino-acid change (proline 702 retained).
Molecular consequence: synonymous variant. On other transcripts: non-coding transcript variant (2).
Genome position (GRCh38, 1-based): chr5:1,279,315, C>T on the plus strand (G>A on the coding strand, the complement: TERT is on the minus strand). VCF-style: chr5-1279315-C-T. GRCh37 (hg19) VCF-style: chr5-1279430-C-T.
Other names: c.2106G>A, p.Pro702= (NM_001193376.3).
Identifiers: ClinVar variation 242223 (VCV000242223.57), dbSNP rs151055240, ClinGen allele CA3184671.

ClinVar aggregate classification (germline): Conflicting classifications of pathogenicity. Review status: criteria provided, conflicting classifications (1 of 4 stars). 16 submissions from 14 submitters: Uncertain significance (2); Benign (1); Likely benign (8). 5 of the submissions do not count toward it. Last evaluated 2026-08-01.

Conditions:
Dyskeratosis congenita, autosomal dominant 2. Identifiers: MedGen C3151443, MONDO:0013521, OMIM 613989.
Idiopathic Pulmonary Fibrosis. Also called: Idiopathic fibrosing alveolitis, chronic form; idiopathic fibrosing alveolitis. Identifiers: Orphanet 2032, MedGen C1800706, MeSH D054990, MONDO:0800504.
Pulmonary fibrosis and/or bone marrow failure, Telomere-related, 1. Also called: PULMONARY FIBROSIS AND/OR BONE MARROW FAILURE SYNDROME, TELOMERE-RELATED, 1. Identifiers: Orphanet 88, MedGen C3553617, MONDO:0013878, OMIM 614742.
Dyskeratosis congenita. Identifiers: Orphanet 1775, MedGen C0265965, MONDO:0015780.
Aplastic anemia. Identifiers: Orphanet 182040, Orphanet 88, MedGen C0002874, MONDO:0015909, OMIM 609135, HP:0001915.

Allele frequency attached by ClinVar (database versions not stated): gnomAD 0.00050; gnomAD exomes 0.00051 and 0.00071; TOPMed 0.00051; 1000 Genomes Project 30x 0.00062; 1000 Genomes Project 0.00080; ExAC 0.00115; ESP Exome Variant Server 0.00117.
gnomAD v4.1: 1,089 of 1,583,982 alleles (0.069%); highest among the groups gnomAD compares: Non-Finnish European, 0.085%; 1 homozygote.

Submissions (16):

CeGaT Center for Human Genetics Tuebingen
Classification: Likely benign. Last evaluated: 2026-08-01. Review status: criteria provided, single submitter. Criteria: CeGaT Center For Human Genetics Tuebingen Variant Classification Criteria Version 2. Collection method: clinical testing. Allele origin: germline. Affected: yes. Observed: 11 variant alleles.
Comment: TERT: BP4, BP7

Labcorp Genetics (formerly Invitae), Labcorp
Classification: Likely benign for Dyskeratosis congenita, autosomal dominant 2; Idiopathic Pulmonary Fibrosis. Last evaluated: 2026-01-21. Review status: criteria provided, single submitter. Criteria: Invitae Variant Classification Sherloc (09022015). Collection method: clinical testing. Allele origin: germline.

Blueprint Genetics
Classification: Likely benign. Last evaluated: 2024-10-17. Review status: criteria provided, single submitter. Criteria: ACMG Guidelines, 2015. Collection method: clinical testing. Allele origin: germline.

ARUP Laboratories, Molecular Genetics and Genomics, ARUP Laboratories
Classification: Likely benign. Last evaluated: 2023-10-04. Review status: criteria provided, single submitter. Criteria: ARUP Molecular Germline Variant Investigation Process 2024. Collection method: clinical testing. Allele origin: germline.

GeneDx
Classification: Likely benign. Last evaluated: 2021-04-11. Review status: criteria provided, single submitter. Criteria: GeneDx Variant Classification Process June 2021. Collection method: clinical testing. Allele origin: germline. Affected: yes.

Illumina Laboratory Services, Illumina
Classification: Benign for Pulmonary fibrosis and/or bone marrow failure, Telomere-related, 1. Last evaluated: 2018-01-12. Review status: criteria provided, single submitter. Criteria: ICSL Variant Classification Criteria 13 December 2019. Collection method: clinical testing. Allele origin: germline.
Comment: This variant was observed in the ICSL laboratory as part of a predisposition screen in an ostensibly healthy population. It had not been previously curated by ICSL or reported in the Human Gene Mutation Database (HGMD: prior to June 1st, 2018), and was therefore a candidate for classification through an automated scoring system. Utilizing variant allele frequency, disease prevalence and penetrance estimates, and inheritance mode, an automated score was calculated to assess if this variant is too frequent to cause the disease. Based on the score and internal cut-off values, a variant classified as benign is not then subjected to further curation. The score for this variant resulted in a classification of benign for this disease.

Illumina Laboratory Services, Illumina
Classification: Uncertain significance for Dyskeratosis congenita, autosomal dominant 2. Last evaluated: 2018-01-12. Review status: criteria provided, single submitter. Criteria: ICSL Variant Classification Criteria 13 December 2019. Collection method: clinical testing. Allele origin: germline.

Illumina Laboratory Services, Illumina
Classification: Uncertain significance for Aplastic anemia. Last evaluated: 2018-01-12. Review status: criteria provided, single submitter. Criteria: ICSL Variant Classification Criteria 13 December 2019. Collection method: clinical testing. Allele origin: germline.

Genetic Services Laboratory, University of Chicago
Classification: Likely benign. Last evaluated: 2016-10-04. Review status: criteria provided, single submitter. Criteria: ACMG Guidelines, 2015. Collection method: clinical testing. Allele origin: germline. Affected: no.

Ambry Genetics
Classification: Likely benign for Dyskeratosis congenita. Last evaluated: 2015-06-09. Review status: criteria provided, single submitter. Criteria: Ambry Variant Classification Scheme 2023. Collection method: clinical testing. Allele origin: germline.

PreventionGenetics, part of Exact Sciences
Classification: Likely benign. Review status: criteria provided, single submitter. Criteria: ACMG Guidelines, 2015. Collection method: clinical testing. Allele origin: germline.

Clinical Genetics DNA and cytogenetics Diagnostics Lab, Erasmus MC, Erasmus Medical Center
Classification: Likely benign. Review status: no assertion criteria provided. Collection method: clinical testing. Allele origin: germline. Affected: yes. Study: VKGL Data-share Consensus. Not counted in ClinVar's aggregate classification.

Diagnostic Laboratory, Department of Genetics, University Medical Center Groningen
Classification: Likely benign. Review status: no assertion criteria provided. Collection method: clinical testing. Allele origin: germline. Affected: yes. Study: VKGL Data-share Consensus. Not counted in ClinVar's aggregate classification.

Genome Diagnostics Laboratory, University Medical Center Utrecht
Classification: Likely benign. Review status: no assertion criteria provided. Collection method: clinical testing. Allele origin: germline. Affected: yes. Study: VKGL Data-share Consensus. Not counted in ClinVar's aggregate classification.

Joint Genome Diagnostic Labs from Nijmegen and Maastricht, Radboudumc and MUMC+
Classification: Likely benign. Review status: no assertion criteria provided. Collection method: clinical testing. Allele origin: germline. Affected: yes. Study: VKGL Data-share Consensus. Not counted in ClinVar's aggregate classification.

Laboratory of Diagnostic Genome Analysis, Leiden University Medical Center (LUMC)
Classification: Likely benign. Review status: no assertion criteria provided. Collection method: clinical testing. Allele origin: germline. Affected: yes. Study: VKGL Data-share Consensus. Not counted in ClinVar's aggregate classification.